The following is an entry in ClinVar:

ClinVar aggregate classification (germline): Uncertain significance (1 of 4 stars; one submission).

Conditions:
Duchenne muscular dystrophy (DMD). Also called: MUSCULAR DYSTROPHY, PSEUDOHYPERTROPHIC PROGRESSIVE, DUCHENNE TYPE; Duchenne Muscular Dystrophy (DMD). Identifiers: Orphanet 98896, MedGen C0013264, MONDO:0010679, OMIM 310200.

Submission:

Labcorp Genetics (formerly Invitae), Labcorp
Classification: Uncertain significance for Duchenne muscular dystrophy. Last evaluated: 2024-04-16. Review status: criteria provided, single submitter. Criteria: Invitae Variant Classification Sherloc (09022015). Collection method: clinical testing. Allele origin: germline.
Comment: This sequence change replaces tryptophan, which is neutral and slightly polar, with arginine, which is basic and polar, at codon 1613 of the DMD protein (p.Trp1613Arg). This variant is not present in population databases (gnomAD no frequency). This variant has not been reported in the literature in individuals affected with DMD-related conditions. Advanced modeling of protein sequence and biophysical properties (such as structural, functional, and spatial information, amino acid conservation, physicochemical variation, residue mobility, and thermodynamic stability) performed at Invitae indicates that this missense variant is not expected to disrupt DMD protein function with a negative predictive value of 95%. In summary, the available evidence is currently insufficient to determine the role of this variant in disease. Therefore, it has been classified as a Variant of Uncertain Significance.

NM_004006.3(DMD):c.4837T>A (p.Trp1613Arg)

Gene: DMD (dystrophin; minus strand). Cytogenetic location: Xp21.1.
Variant type: single nucleotide variant.
Coding change: c.4837T>A on transcript NM_004006.3 (MANE Select); coding-DNA position 4837, T replaced by A.
Protein change: p.Trp1613Arg; replaces tryptophan 1613 with arginine.
Molecular consequence: missense variant.
Genome position (GRCh38, 1-based): chrX:32,380,518, A>T on the plus strand (T>A on the coding strand, the complement: DMD is on the minus strand). VCF-style: chrX-32380518-A-T. GRCh37 (hg19) VCF-style: chrX-32398635-A-T.
Other names: c.4813T>A, p.Trp1605Arg (NM_000109.4); c.4825T>A, p.Trp1609Arg (NM_004009.3); c.4468T>A, p.Trp1490Arg (NM_004010.3); c.814T>A, p.Trp272Arg (NM_004011.4); c.805T>A, p.Trp269Arg (NM_004012.4); short protein forms W269R, W272R, W1605R, W1609R, W1490R, W1613R.
Identifiers: ClinVar variation 3634825 (VCV003634825.2).
Genomic context (GRCh38, chrX:32,380,518, plus strand): 5'-ATTATGTGTTTTCACGTATGTTCAAAATAACCTTCAGTGATATAGGTTTTACCTTTCCCC[A>T]GGCAACTTCAGAATCCAAATTACTAGGCATTCCTTCAACTGCTGATCTCTTTGTCAATTC-3'
Protein context (NP_003997.2, residues 1603-1623): MPSNLDSEVA[Trp1613Arg]GKATQKEIEK